The following is an entry in ClinVar:

ClinVar aggregate classification (germline): Likely benign (1 of 4 stars; one submission).

Allele frequency attached by ClinVar (database versions not stated): ExAC 0.00005; gnomAD 0.00005; TOPMed 0.00005; gnomAD exomes 0.00007; ESP Exome Variant Server 0.00008.
gnomAD v4.1: 106 of 1,613,290 alleles (0.0066%); highest among the groups gnomAD compares: Non-Finnish European, 0.0078%; no homozygotes.

Submission:

CeGaT Center for Human Genetics Tuebingen
Classification: Likely benign. Last evaluated: 2022-11-01. Review status: criteria provided, single submitter. Criteria: CeGaT Center For Human Genetics Tuebingen Variant Classification Criteria Version 2. Collection method: clinical testing. Allele origin: germline. Affected: yes. Observed: 1 variant allele.
Comment: TNFRSF19: BP4, BP7

NM_148957.4(TNFRSF19):c.855C>T (p.Ala285=)

Gene: TNFRSF19 (TNF receptor superfamily member 19; plus strand). Cytogenetic location: 13q12.12.
Variant type: single nucleotide variant.
Coding change: c.855C>T on transcript NM_148957.4 (MANE Select); coding-DNA position 855, C replaced by T.
Protein change: p.Ala285=; no amino-acid change (alanine 285 retained).
Molecular consequence: synonymous variant. On other transcripts: intron variant (1).
Genome position (GRCh38, 1-based): chr13:23,668,707, C>T. VCF-style: chr13-23668707-C-T. GRCh37 (hg19) VCF-style: chr13-24242846-C-T.
Other names: c.855C>T, p.Ala285= (NM_001204458.3, NM_018647.5); c.459C>T, p.Ala153= (NM_001204459.2); c.839+625C>T (NM_001354985.2).
Identifiers: ClinVar variation 2643680 (VCV002643680.24), dbSNP rs141678624, ClinGen allele CA6912550.